The following is an entry in ClinVar:

NM_022095.4(ZNF335):c.1019C>G (p.Pro340Arg)

Gene: ZNF335 (zinc finger protein 335; minus strand). Cytogenetic location: 20q13.12.
Variant type: single nucleotide variant.
Coding change: c.1019C>G on transcript NM_022095.4 (MANE Select); coding-DNA position 1019, C replaced by G.
Protein change: p.Pro340Arg; replaces proline 340 with arginine.
Molecular consequence: missense variant.
Genome position (GRCh38, 1-based): chr20:45,965,711, G>C on the plus strand (C>G on the coding strand, the complement: ZNF335 is on the minus strand). VCF-style: chr20-45965711-G-C. GRCh37 (hg19) VCF-style: chr20-44594350-G-C.
Other names: short protein forms P340R.
Identifiers: ClinVar variation 2092723 (VCV002092723.4), dbSNP rs2083939889, ClinGen allele CA409252250.

ClinVar aggregate classification (germline): Uncertain significance (1 of 4 stars; one submission).

Allele frequency attached by ClinVar (database versions not stated): gnomAD exomes 0.00001.
gnomAD v4.1: 10 of 1,605,552 alleles (0.00062%); highest among the groups gnomAD compares: Non-Finnish European, 0.00085%; no homozygotes.

Submission:

Labcorp Genetics (formerly Invitae), Labcorp
Classification: Uncertain significance. Last evaluated: 2022-08-23. Review status: criteria provided, single submitter. Criteria: Invitae Variant Classification Sherloc (09022015). Collection method: clinical testing. Allele origin: germline.
Comment: This variant is not present in population databases (gnomAD no frequency). In summary, the available evidence is currently insufficient to determine the role of this variant in disease. Therefore, it has been classified as a Variant of Uncertain Significance. Algorithms developed to predict the effect of missense changes on protein structure and function (SIFT, PolyPhen-2, Align-GVGD) all suggest that this variant is likely to be disruptive. This variant has not been reported in the literature in individuals affected with ZNF335-related conditions. This sequence change replaces proline, which is neutral and non-polar, with arginine, which is basic and polar, at codon 340 of the ZNF335 protein (p.Pro340Arg).